The following is an entry in ClinVar:

ClinVar aggregate classification (germline): Uncertain significance (1 of 4 stars; one submission).

gnomAD v4.1: 1 of 1,209,414 alleles (0.000083%); highest among the groups gnomAD compares: Non-Finnish European, 0.00011%; no homozygotes.

Submission:

Greenwood Genetic Center Diagnostic Laboratories, Greenwood Genetic Center
Classification: Uncertain significance. Last evaluated: 2024-06-06. Review status: criteria provided, single submitter. Criteria: ACMG Guidelines, 2015. Collection method: clinical testing. Allele origin: germline. Affected: yes.
Comment: PP2

NM_004606.5(TAF1):c.1886T>A (p.Leu629His)

Gene: TAF1 (TATA-box binding protein associated factor 1; plus strand). Cytogenetic location: Xq13.1.
Variant type: single nucleotide variant.
Coding change: c.1886T>A on transcript NM_004606.5 (MANE Select); coding-DNA position 1886, T replaced by A.
Protein change: p.Leu629His; replaces leucine 629 with histidine.
Molecular consequence: missense variant. On other transcripts: non-coding transcript variant (9).
Genome position (GRCh38, 1-based): chrX:71,383,103, T>A. VCF-style: chrX-71383103-T-A. GRCh37 (hg19) VCF-style: chrX-70602953-T-A.
Other names: c.1886T>A, p.Leu629His (NM_001286074.2); c.1823T>A, p.Leu608His (NM_138923.4); short protein forms L608H, L629H.
Identifiers: ClinVar variation 3338548 (VCV003338548.1).
Genomic context (GRCh38, chrX:71,383,103, plus strand): 5'-GGCCCATCAAACTCCGGCAGTTCCATCGCCCACCTCTGAAAAAGTACTCATTTGGTGCAC[T>A]TTCTCAGCCAGGTCCCCACTCAGTCCAACCTTTGCTAAAGCACATCAAAAAAAAGGCCAA-3'
Protein context (NP_004597.3, residues 619-639): PPLKKYSFGA[Leu629His]SQPGPHSVQP